The following is an entry in ClinVar:

NM_001288705.3(CSF1R):c.2129G>A (p.Arg710His)

Gene: CSF1R (colony stimulating factor 1 receptor; minus strand). Cytogenetic location: 5q32.
Variant type: single nucleotide variant.
Coding change: c.2129G>A on transcript NM_001288705.3 (MANE Select); coding-DNA position 2129, G replaced by A.
Protein change: p.Arg710His; replaces arginine 710 with histidine.
Molecular consequence: missense variant.
Genome position (GRCh38, 1-based): chr5:150,059,703, C>T on the plus strand (G>A on the coding strand, the complement: CSF1R is on the minus strand). VCF-style: chr5-150059703-C-T. GRCh37 (hg19) VCF-style: chr5-149439266-C-T.
Other names: c.2129G>A, p.Arg710His (NM_001349736.2, NM_001375320.1, NM_005211.4); c.1685G>A, p.Arg562His (NM_001375321.1); short protein forms R562H, R710H.
Identifiers: ClinVar variation 904048 (VCV000904048.11), dbSNP rs201569135, ClinGen allele CA3506570.

ClinVar aggregate classification (germline): Conflicting classifications of pathogenicity. Review status: criteria provided, conflicting classifications (1 of 4 stars). 5 submissions from 5 submitters: Uncertain significance (2); Benign (1); Likely benign (2). Last evaluated 2025-04-11.

Conditions:
Hereditary diffuse leukoencephalopathy with spheroids. Also called: LEUKOENCEPHALOPATHY, ADULT-ONSET, WITH AXONAL SPHEROIDS AND PIGMENTED GLIA. Identifiers: Orphanet 313808, MedGen C3711381, MONDO:0030796.
CSF1R-related disorder. Also called: CSF1R-related condition. Identifiers: MedGen CN379780, MONDO:0100632.
Inborn genetic diseases. Identifiers: MedGen C0950123, MeSH D030342.

Allele frequency attached by ClinVar (database versions not stated): gnomAD 0.00006; ESP Exome Variant Server 0.00008; gnomAD exomes 0.00014 and 0.00021; TOPMed 0.00015; ExAC 0.00037.
gnomAD v4.1: 207 of 1,613,556 alleles (0.013%); highest among the groups gnomAD compares: Middle Eastern, 0.016%; no homozygotes.

Submissions (5):

Ambry Genetics
Classification: Uncertain significance for Inborn genetic diseases. Last evaluated: 2025-04-11. Review status: criteria provided, single submitter. Criteria: Ambry Variant Classification Scheme 2023. Collection method: clinical testing. Allele origin: germline.

Labcorp Genetics (formerly Invitae), Labcorp
Classification: Likely benign. Last evaluated: 2025-02-20. Review status: criteria provided, single submitter. Criteria: Invitae Variant Classification Sherloc (09022015). Collection method: clinical testing. Allele origin: germline.

Blueprint Genetics
Classification: Likely benign. Last evaluated: 2024-08-19. Review status: criteria provided, single submitter. Criteria: ACMG Guidelines, 2015. Collection method: clinical testing. Allele origin: germline.

PreventionGenetics, part of Exact Sciences
Classification: Uncertain significance for CSF1R-related condition. Last evaluated: 2023-09-07. Review status: criteria provided, single submitter. Criteria: ACMG Guidelines, 2015. Collection method: clinical testing. Allele origin: germline.
Comment: The CSF1R c.2129G>A variant is predicted to result in the amino acid substitution p.Arg710His. To our knowledge, this variant has not been reported in the literature. This variant is reported in 0.040% of alleles in individuals of European (Non-Finnish) descent in gnomAD and has been interpreted as benign and likely benign in ClinVar. Although we suspect that this variant may be benign, at this time, the clinical significance of this variant is uncertain due to the absence of conclusive functional and genetic evidence.

Illumina Laboratory Services, Illumina
Classification: Benign for Leukoencephalopathy, diffuse hereditary, with spheroids 1. Last evaluated: 2018-05-16. Review status: criteria provided, single submitter. Criteria: ICSL Variant Classification Criteria 13 December 2019. Collection method: clinical testing. Allele origin: germline.
Comment: This variant was observed in the ICSL laboratory as part of a predisposition screen in an ostensibly healthy population. It had not been previously curated by ICSL or reported in the Human Gene Mutation Database (HGMD: prior to June 1st, 2018), and was therefore a candidate for classification through an automated scoring system. Utilizing variant allele frequency, disease prevalence and penetrance estimates, and inheritance mode, an automated score was calculated to assess if this variant is too frequent to cause the disease. Based on the score and internal cut-off values, a variant classified as benign is not then subjected to further curation. The score for this variant resulted in a classification of benign for this disease.